The following is an entry in ClinVar:

NM_003322.6(TULP1):c.1518C>A (p.Phe506Leu)

Gene: TULP1 (TUB like protein 1; minus strand). Cytogenetic location: 6p21.31.
Variant type: single nucleotide variant.
Coding change: c.1518C>A on transcript NM_003322.6 (MANE Select); coding-DNA position 1518, C replaced by A.
Protein change: p.Phe506Leu; replaces phenylalanine 506 with leucine.
Molecular consequence: missense variant.
Genome position (GRCh38, 1-based): chr6:35,498,438, G>T on the plus strand (C>A on the coding strand, the complement: TULP1 is on the minus strand). VCF-style: chr6-35498438-G-T. GRCh37 (hg19) VCF-style: chr6-35466215-G-T.
Other names: c.1359C>A, p.Phe453Leu (NM_001289395.2); short protein forms F453L, F506L.
Identifiers: ClinVar variation 2438445 (VCV002438445.5), dbSNP rs764536885, ClinGen allele CA363778352.

ClinVar aggregate classification (germline): Conflicting classifications of pathogenicity. Review status: criteria provided, conflicting classifications (1 of 4 stars). 3 submissions from 3 submitters: Likely pathogenic (1); Uncertain significance (2). Last evaluated 2024-12-19.

Conditions:
Leber congenital amaurosis 15 (LCA15). Identifiers: Orphanet 65, MedGen C3151206, MONDO:0013457, OMIM 613843.

gnomAD v4.1: 1 of 1,613,966 alleles (0.000062%); no homozygotes.

Submissions (3):

Genomic Medicine Center of Excellence, King Faisal Specialist Hospital and Research Centre
Classification: Likely pathogenic for Leber congenital amaurosis 15. Last evaluated: 2024-12-19. Review status: criteria provided, single submitter. Criteria: ACMG Guidelines, 2015. Collection method: clinical testing. Allele origin: germline.

Women's Health and Genetics/Laboratory Corporation of America, LabCorp
Classification: Uncertain significance. Last evaluated: 2024-09-18. Review status: criteria provided, single submitter. Criteria: LabCorp Variant Classification Summary - May 2015. Collection method: clinical testing. Allele origin: germline.
Comment: Variant summary: TULP1 c.1518C>A (p.Phe506Leu) results in a non-conservative amino acid change located in the Tubby, C-terminal domain (IPR000007) of the encoded protein sequence. Five of five in-silico tools predict a damaging effect of the variant on protein function. The variant was absent in 249944 control chromosomes (gnomAD). The available data on variant occurrences in the general population are insufficient to allow any conclusion about variant significance. c.1518C>A has been reported in the literature in an individual affected with Leber Congenital Amaurosis (Wang_2013). These data do not allow any conclusion about variant significance. To our knowledge, no experimental evidence demonstrating an impact on protein function has been reported. The following publication has been ascertained in the context of this evaluation (PMID: 23847139). ClinVar contains an entry for this variant (Variation ID: 2438445). Based on the evidence outlined above, the variant was classified as uncertain significance.

Revvity Omics, Revvity
Classification: Uncertain significance. Last evaluated: 2021-02-26. Review status: criteria provided, single submitter. Criteria: ACMG Guidelines, 2015. Collection method: clinical testing. Allele origin: germline.

Literature cited by the submitters: PubMed 23847139 (cited by Women's Health and Genetics/Laboratory Corporation of America, LabCorp).